The following is an entry in ClinVar:

NM_133510.4(RAD51B):c.421A>C (p.Ile141Leu)

Gene: RAD51B (RAD51 paralog B; plus strand). Cytogenetic location: 14q24.1.
Variant type: single nucleotide variant.
Coding change: c.421A>C on transcript NM_133510.4 (MANE Select); coding-DNA position 421, A replaced by C.
Protein change: p.Ile141Leu; replaces isoleucine 141 with leucine.
Molecular consequence: missense variant.
Genome position (GRCh38, 1-based): chr14:67,865,108, A>C. VCF-style: chr14-67865108-A-C. GRCh37 (hg19) VCF-style: chr14-68331825-A-C.
Other names: c.421A>C, p.Ile141Leu (NM_001321809.2, NM_001321810.2, NM_001321812.1 and 6 more transcripts); c.307A>C, p.Ile103Leu (NM_001321815.1); c.64A>C, p.Ile22Leu (NM_001321817.2); short protein forms I103L, I22L, I141L.
Identifiers: ClinVar variation 3942341 (VCV003942341.1).
Genomic context (GRCh38, chr14:67,865,108, plus strand): 5'-ATGAGCATTTTGGCTACATTACCCACCAACATGGGAGGATTAGAAGGAGCTGTGGTGTAC[A>C]TTGACACAGAGTCTGCATTTAGTGCTGAAAGGTATGAGATTTTATTTTCTATTATAATGT-3'
Protein context (NP_598194.1, residues 131-151): MGGLEGAVVY[Ile141Leu]DTESAFSAER

ClinVar aggregate classification (germline): Uncertain significance (1 of 4 stars; one submission).

Submission:

Ambry Genetics
Classification: Uncertain significance. Last evaluated: 2025-06-12. Review status: criteria provided, single submitter. Criteria: Ambry Variant Classification Scheme 2023. Collection method: clinical testing. Allele origin: germline.
Comment: The p.I141L variant (also known as c.421A>C), located in coding exon 4 of the RAD51B gene, results from an A to C substitution at nucleotide position 421. The isoleucine at codon 141 is replaced by leucine, an amino acid with highly similar properties. This amino acid position is conserved. In addition, this alteration is predicted to be tolerated by in silico analysis. Based on the available evidence, the clinical significance of this variant remains unclear.